The following is an entry in ClinVar:

ClinVar aggregate classification (germline): Likely benign. Review status: criteria provided, multiple submitters, no conflicts (2 of 4 stars). 2 submissions from 2 submitters: Likely benign (2). Last evaluated 2025-10-09.

Conditions:
LAMA2-related muscular dystrophy (LAMA2-RD). Also called: Laminin alpha 2-related dystrophy. Identifiers: MedGen C5679788, MONDO:0100228.

Allele frequency attached by ClinVar (database versions not stated): gnomAD exomes 0.00001.
gnomAD v4.1: 3 of 1,614,136 alleles (0.00019%); highest among the groups gnomAD compares: Non-Finnish European, 0.00025%; no homozygotes.

Submissions (2):

Labcorp Genetics (formerly Invitae), Labcorp
Classification: Likely benign for LAMA2-related muscular dystrophy. Last evaluated: 2025-10-09. Review status: criteria provided, single submitter. Criteria: Invitae Variant Classification Sherloc (09022015). Collection method: clinical testing. Allele origin: germline.

GeneDx
Classification: Likely benign. Last evaluated: 2016-11-15. Review status: criteria provided, single submitter. Criteria: GeneDx Variant Classification (06012015). Collection method: clinical testing. Allele origin: germline. Affected: yes.
Comment: This variant is considered likely benign or benign based on one or more of the following criteria: it is a conservative change, it occurs at a poorly conserved position in the protein, it is predicted to be benign by multiple in silico algorithms, and/or has population frequency not consistent with disease.

NM_000426.4(LAMA2):c.9039T>C (p.Asp3013=)

Gene: LAMA2 (laminin subunit alpha 2; plus strand). Cytogenetic location: 6q22.33.
Variant type: single nucleotide variant.
Coding change: c.9039T>C on transcript NM_000426.4 (MANE Select); coding-DNA position 9039, T replaced by C.
Protein change: p.Asp3013=; no amino-acid change (aspartic acid 3013 retained).
Molecular consequence: synonymous variant.
Genome position (GRCh38, 1-based): chr6:129,514,423, T>C. VCF-style: chr6-129514423-T-C. GRCh37 (hg19) VCF-style: chr6-129835568-T-C.
Other names: c.9027T>C, p.Asp3009= (NM_001079823.2).
Identifiers: ClinVar variation 390832 (VCV000390832.10), dbSNP rs1057523899, ClinGen allele CA16604854.